The following is an entry in ClinVar:

ClinVar aggregate classification (germline): Uncertain significance (1 of 4 stars; one submission).

Conditions:
Hereditary spastic paraplegia 2 (SPG2). Also called: Spastic Paraplegia 2 (SPG2); SPASTIC PARAPLEGIA 2, X-LINKED. Identifiers: Orphanet 99015, MedGen C0751604, MONDO:0010733, OMIM 312920.

Submission:

Labcorp Genetics (formerly Invitae), Labcorp
Classification: Uncertain significance for Hereditary spastic paraplegia 2. Last evaluated: 2020-11-21. Review status: criteria provided, single submitter. Criteria: Invitae Variant Classification Sherloc (09022015). Collection method: clinical testing. Allele origin: germline.
Comment: This sequence change replaces glycine with serine at codon 217 of the PLP1 protein (p.Gly217Ser). The glycine residue is highly conserved and there is a small physicochemical difference between glycine and serine. This variant is not present in population databases (ExAC no frequency). This variant has been observed in individual(s) with clinical features of Pelizaeus-Merzbacher disease (PMID: 7679906, 7539212). It has also been observed to segregate with disease in related individuals. This variant is also known as p.Gly216Ser. Algorithms developed to predict the effect of missense changes on protein structure and function are either unavailable or do not agree on the potential impact of this missense change (SIFT: "Not Available"; PolyPhen-2: "Probably Damaging"; Align-GVGD: "Not Available"). In summary, the available evidence is currently insufficient to determine the role of this variant in disease. Therefore, it has been classified as a Variant of Uncertain Significance.

Literature cited by the submitters: PubMed 7679906; PubMed 7539212.

NM_000533.5(PLP1):c.649G>A (p.Gly217Ser)

Genes: PLP1 (proteolipid protein 1; plus strand), RAB9B (RAB9B, member RAS oncogene family; minus strand). Cytogenetic location: Xq22.2.
Variant type: single nucleotide variant.
Coding change: c.649G>A on transcript NM_000533.5 (MANE Select); coding-DNA position 649, G replaced by A.
Protein change: p.Gly217Ser; replaces glycine 217 with serine.
Molecular consequence: missense variant.
Genome position (GRCh38, 1-based): chrX:103,788,463, G>A. VCF-style: chrX-103788463-G-A. GRCh37 (hg19) VCF-style: chrX-103043392-G-A.
Other names: c.649G>A, p.Gly217Ser (NM_001128834.3); c.484G>A, p.Gly162Ser (NM_001305004.1); c.544G>A, p.Gly182Ser (NM_199478.3); short protein forms G182S, G162S, G217S.
Identifiers: ClinVar variation 1497510 (VCV001497510.6), dbSNP rs2147766965, ClinGen allele CA414104292.